The following is an entry in ClinVar:

ClinVar aggregate classification (germline): Likely benign. Review status: criteria provided, multiple submitters, no conflicts (2 of 4 stars). 3 submissions from 3 submitters: Likely benign (3). Last evaluated 2025-12-01.

Allele frequency attached by ClinVar (database versions not stated): gnomAD exomes 0.00001 and 0.00003; gnomAD 0.00002; TOPMed 0.00003; ESP Exome Variant Server 0.00008; ExAC 0.00013.
gnomAD v4.1: 24 of 1,569,670 alleles (0.0015%); highest among the groups gnomAD compares: South Asian, 0.0058%; 1 homozygote.

Submissions (3):

CeGaT Center for Human Genetics Tuebingen
Classification: Likely benign. Last evaluated: 2025-12-01. Review status: criteria provided, single submitter. Criteria: CeGaT Center For Human Genetics Tuebingen Variant Classification Criteria Version 2. Collection method: clinical testing. Allele origin: germline. Affected: yes. Observed: 1 variant allele.
Comment: CFAP410: BP4, BP7

Labcorp Genetics (formerly Invitae), Labcorp
Classification: Likely benign. Last evaluated: 2025-01-27. Review status: criteria provided, single submitter. Criteria: Invitae Variant Classification Sherloc (09022015). Collection method: clinical testing. Allele origin: germline.

Blueprint Genetics
Classification: Likely benign. Last evaluated: 2021-09-01. Review status: criteria provided, single submitter. Criteria: ACMG Guidelines, 2015. Collection method: clinical testing. Allele origin: germline.

NM_004928.3(CFAP410):c.762C>T (p.His254=)

Gene: CFAP410 (cilia and flagella associated protein 410; minus strand). Cytogenetic location: 21q22.3.
Variant type: single nucleotide variant.
Coding change: c.762C>T on transcript NM_004928.3 (MANE Select); coding-DNA position 762, C replaced by T.
Protein change: p.His254=; no amino-acid change (histidine 254 retained).
Molecular consequence: synonymous variant.
Genome position (GRCh38, 1-based): chr21:44,330,207, G>A on the plus strand (C>T on the coding strand, the complement: CFAP410 is on the minus strand). VCF-style: chr21-44330207-G-A. GRCh37 (hg19) VCF-style: chr21-45750090-G-A.
Other names: c.759C>T, p.His253= (NM_001271440.2); c.1119C>T, p.His373= (NM_001271441.2); c.636C>T, p.His212= (NM_001271442.1).
Identifiers: ClinVar variation 1116010 (VCV001116010.15), dbSNP rs377640840, ClinGen allele CA10053465.